The following is an entry in ClinVar:

ClinVar aggregate classification (germline): Pathogenic. Review status: criteria provided, multiple submitters, no conflicts (2 of 4 stars). 6 submissions from 6 submitters: Pathogenic (4). 2 of the submissions do not count toward it. Last evaluated 2025-08-07.

Conditions:
Hereditary nonpolyposis colorectal neoplasms. Identifiers: MedGen C0009405, MeSH D003123.
Hereditary cancer-predisposing syndrome. Also called: Hereditary neoplastic syndrome; Neoplastic Syndromes, Hereditary; Tumor predisposition; Hereditary Cancer Syndrome. Identifiers: Orphanet 140162, MedGen C0027672, MeSH D009386, MONDO:0015356.
Lynch syndrome 5 (LYNCH5). Also called: Hereditary non-polyposis colorectal cancer, type 5; Colorectal cancer, hereditary nonpolyposis, type 5. Identifiers: Orphanet 144, MedGen C1833477, MONDO:0013710, OMIM 614350. Disease mechanism: loss of function.
Endometrial carcinoma. Also called: Endometrial carcinoma, somatic. Identifiers: MedGen C0476089, MONDO:0002447, OMIM 608089, HP:0012114.

Allele frequency attached by ClinVar (database versions not stated): gnomAD exomes below 0.00001.

Submissions (6):

Labcorp Genetics (formerly Invitae), Labcorp
Classification: Pathogenic for Hereditary nonpolyposis colorectal neoplasms. Last evaluated: 2025-08-07. Review status: criteria provided, single submitter. Criteria: Invitae Variant Classification Sherloc (09022015). Collection method: clinical testing. Allele origin: germline.
Comment: This sequence change creates a premature translational stop signal (p.Gln572*) in the MSH6 gene. It is expected to result in an absent or disrupted protein product. Loss-of-function variants in MSH6 are known to be pathogenic (PMID: 18269114, 24362816). This variant is not present in population databases (gnomAD no frequency). This premature translational stop signal has been observed in individual(s) with clinical features of MSH6-related conditions (PMID: 10612827). ClinVar contains an entry for this variant (Variation ID: 421621). For these reasons, this variant has been classified as Pathogenic.

Ambry Genetics
Classification: Pathogenic for Hereditary cancer-predisposing syndrome. Last evaluated: 2025-07-31. Review status: criteria provided, single submitter. Criteria: Ambry Variant Classification Scheme 2023. Collection method: clinical testing. Allele origin: germline.
Comment: The p.Q572* pathogenic mutation (also known as c.1714C>T), located in coding exon 4 of the MSH6 gene, results from a C to T substitution at nucleotide position 1714. This changes the amino acid from a glutamine to a stop codon within coding exon 4. This alteration is expected to result in loss of function by premature protein truncation or nonsense-mediated mRNA decay. As such, this alteration is interpreted as a disease-causing mutation.

Myriad Genetics, Inc.
Classification: Pathogenic for Lynch syndrome 5. Last evaluated: 2023-08-15. Review status: criteria provided, single submitter. Criteria: Myriad Autosomal Dominant, Autosomal Recessive and X-Linked Classification Criteria (2023). Collection method: clinical testing. Allele origin: unknown.
Comment: This variant is considered pathogenic. This variant creates a termination codon and is predicted to result in premature protein truncation.

GeneDx
Classification: Pathogenic. Last evaluated: 2016-07-06. Review status: criteria provided, single submitter. Criteria: GeneDx Variant Classification (06012015). Collection method: clinical testing. Allele origin: germline. Affected: yes.
Comment: This variant is denoted MSH6 c.1714C>T at the cDNA level and p.Gln572Ter (Q572X) at the protein level. The substitution creates a nonsense variant, which changes a Glutamine to a premature stop codon (CAG>TAG), and is predicted to cause loss of normal protein function through either protein truncation or nonsense-mediated mRNA decay. Although this variant has not, to our knowledge, been reported in the literature, it is considered pathogenic.

Medical Genetics Laboratory, Umraniye Training and Research Hospital, University of Health Sciences
Classification: Pathogenic for Endometrial carcinoma. Last evaluated: 2021-09-12. Review status: no assertion criteria provided. Collection method: clinical testing. Allele origin: germline. Inheritance: Autosomal dominant inheritance. Affected: yes. Observed: 1 heterozygote. Not counted in ClinVar's aggregate classification.

Department of Pathology and Laboratory Medicine, Sinai Health System
Classification: Uncertain significance. Review status: no assertion criteria provided. Collection method: clinical testing. Allele origin: unknown. Affected: yes. Observed: 1 variant allele. Study: The Canadian Open Genetics Repository (COGR). Not counted in ClinVar's aggregate classification.

Literature cited by the submitters: PubMed 18269114 (cited by Labcorp Genetics (formerly Invitae), Labcorp); PubMed 24362816 (cited by Labcorp Genetics (formerly Invitae), Labcorp); PubMed 10612827 (cited by Labcorp Genetics (formerly Invitae), Labcorp).

NM_000179.3(MSH6):c.1714C>T (p.Gln572Ter)

Gene: MSH6 (mutS homolog 6; plus strand). Cytogenetic location: 2p16.3.
Variant type: single nucleotide variant.
Coding change: c.1714C>T on transcript NM_000179.3 (MANE Select); coding-DNA position 1714, C replaced by T.
Protein change: p.Gln572Ter; replaces glutamine 572 with a stop codon.
Molecular consequence: nonsense.
Genome position (GRCh38, 1-based): chr2:47,799,697, C>T. VCF-style: chr2-47799697-C-T. GRCh37 (hg19) VCF-style: chr2-48026836-C-T.
Other names: c.1324C>T, p.Gln442Ter (NM_001281492.2); c.808C>T, p.Gln270Ter (NM_001281493.2, NM_001281494.2); short protein forms Q572*, Q442*, Q270*.
Identifiers: ClinVar variation 421621 (VCV000421621.19), dbSNP rs1064795256, ClinGen allele CA16617658.